The following is an entry in ClinVar:

NM_001018115.3(FANCD2):c.783+3A>G

Genes: FANCD2 (FA complementation group D2; plus strand), LOC107303338 (3p25 FANCD2 Alu-mediated recombination region; plus strand). Cytogenetic location: 3p25.3.
Variant type: single nucleotide variant.
Coding change: c.783+3A>G on transcript NM_001018115.3 (MANE Select); 3 bases into the intron after coding-DNA position 783, A replaced by G.
Molecular consequence: intron variant.
Genome position (GRCh38, 1-based): chr3:10,041,713, A>G. VCF-style: chr3-10041713-A-G. GRCh37 (hg19) VCF-style: chr3-10083397-A-G.
Other names: c.783+3A>G (NM_001319984.2, NM_001374253.1, NM_033084.6 and 1 more transcripts).
Identifiers: ClinVar variation 3625515 (VCV003625515.2).
Genomic context (GRCh38, chr3:10,041,713, plus strand): 5'-TGTCCCAATCCTGGATGTCCTTTCAAGCCTCCGACTTGACCCAAACTTCCTATTGAAGGT[A>G]GAAAAGACTCAGCTTTCCAGAAACAGAGCCAGCTTTCCAACCTCCCAGAACAAGTGTCAG-3'

ClinVar aggregate classification (germline): Uncertain significance (1 of 4 stars; one submission).

Conditions:
Fanconi anemia (FA). Also called: Fanconi's anemia. Identifiers: Orphanet 84, MedGen C0015625, MeSH D005199, MONDO:0019391.

gnomAD v4.1: 4 of 1,611,614 alleles (0.00025%); highest among the groups gnomAD compares: East Asian, 0.0067%; no homozygotes.

Submission:

Labcorp Genetics (formerly Invitae), Labcorp
Classification: Uncertain significance for Fanconi anemia. Last evaluated: 2025-06-03. Review status: criteria provided, single submitter. Criteria: Invitae Variant Classification Sherloc (09022015). Collection method: clinical testing. Allele origin: germline.
Comment: This sequence change falls in intron 10 of the FANCD2 gene. It does not directly change the encoded amino acid sequence of the FANCD2 protein. It affects a nucleotide within the consensus splice site. This variant is not present in population databases (gnomAD no frequency). This variant has not been reported in the literature in individuals affected with FANCD2-related conditions. ClinVar contains an entry for this variant (Variation ID: 3625515). Variants that disrupt the consensus splice site are a relatively common cause of aberrant splicing (PMID: 17576681, 9536098). Algorithms developed to predict the effect of sequence changes on RNA splicing suggest that this variant may disrupt the consensus splice site. In summary, the available evidence is currently insufficient to determine the role of this variant in disease. Therefore, it has been classified as a Variant of Uncertain Significance.

Literature cited by the submitters: PubMed 17576681; PubMed 9536098.